The following is an entry in ClinVar:

NM_033400.3(ZFHX2):c.6381G>C (p.Gly2127=)

Genes: THTPA (thiamine triphosphatase; plus strand), ZFHX2 (zinc finger homeobox 2; minus strand). Cytogenetic location: 14q11.2.
Variant type: single nucleotide variant.
Coding change: c.6381G>C on transcript NM_033400.3 (MANE Select); coding-DNA position 6381, G replaced by C.
Protein change: p.Gly2127=; no amino-acid change (glycine 2127 retained).
Molecular consequence: synonymous variant.
Genome position (GRCh38, 1-based): chr14:23,523,561, C>G on the plus strand (G>C on the coding strand, the complement: ZFHX2 is on the minus strand). VCF-style: chr14-23523561-C-G. GRCh37 (hg19) VCF-style: chr14-23992770-C-G.
Identifiers: ClinVar variation 3050577 (VCV003050577.3), dbSNP rs541997604, ClinGen allele CA7116837.
Genomic context (GRCh38, chr14:23,523,561, plus strand): 5'-GTCAGTGCGCTGGGCTGCTAAGAGGCCCTCACTGCTGCCCCCAGTGCTCCCAGCGGCTGT[C>G]CCCTGTAGTTTGGCCTTCTTTTCCTTGGCACGAGCATTCTGGAACCAGACCTGGATGACT-3'
Protein context (NP_207646.2, residues 2117-2137): RAKEKKAKLQ[Gly2127=]TAAGSTGGSS

ClinVar aggregate classification (germline): Likely benign. Review status: criteria provided, single submitter (1 of 4 stars). 2 submissions from 2 submitters: Likely benign (1). 1 of the submissions does not count toward it. Last evaluated 2025-11-18.

Conditions:
ZFHX2-related disorder. Also called: ZFHX2-related condition.

Allele frequency attached by ClinVar (database versions not stated): gnomAD 0.00103; TOPMed 0.00105; ExAC 0.00026; 1000 Genomes Project 0.00060; 1000 Genomes Project 30x 0.00062.
gnomAD v4.1: 284 of 1,538,776 alleles (0.018%); highest among the groups gnomAD compares: African/African-American, 0.35%; 1 homozygote.

Submissions (2):

Women's Health and Genetics/Laboratory Corporation of America, LabCorp
Classification: Likely benign. Last evaluated: 2025-11-18. Review status: criteria provided, single submitter. Criteria: LabCorp Variant Classification Summary - May 2015. Collection method: clinical testing. Allele origin: germline.

PreventionGenetics, part of Exact Sciences
Classification: Likely benign for ZFHX2-related condition. Last evaluated: 2020-01-31. Review status: no assertion criteria provided. Collection method: clinical testing. Allele origin: germline. Not counted in ClinVar's aggregate classification.
Comment: This variant is classified as likely benign based on ACMG/AMP sequence variant interpretation guidelines (Richards et al. 2015 PMID: 25741868, with internal and published modifications).